The following is an entry in ClinVar:

ClinVar aggregate classification (germline): Uncertain significance (1 of 4 stars; one submission).

Conditions:
Charcot-Marie-Tooth disease type 2E (CMT2E). Also called: CHARCOT-MARIE-TOOTH DISEASE, AXONAL, TYPE 2E; CHARCOT-MARIE-TOOTH NEUROPATHY, TYPE 2E. Identifiers: Orphanet 99939, MedGen C1843225, MONDO:0011894, OMIM 607684.

Submission:

Labcorp Genetics (formerly Invitae), Labcorp
Classification: Uncertain significance for Charcot-Marie-Tooth disease type 2E. Last evaluated: 2023-04-12. Review status: criteria provided, single submitter. Criteria: Invitae Variant Classification Sherloc (09022015). Collection method: clinical testing. Allele origin: germline.
Comment: In summary, the available evidence is currently insufficient to determine the role of this variant in disease. Therefore, it has been classified as a Variant of Uncertain Significance. Advanced modeling of protein sequence and biophysical properties (such as structural, functional, and spatial information, amino acid conservation, physicochemical variation, residue mobility, and thermodynamic stability) performed at Invitae indicates that this missense variant is expected to disrupt NEFL protein function. ClinVar contains an entry for this variant (Variation ID: 1498735). This variant has not been reported in the literature in individuals affected with NEFL-related conditions. This variant is not present in population databases (gnomAD no frequency). This sequence change replaces isoleucine, which is neutral and non-polar, with serine, which is neutral and polar, at codon 386 of the NEFL protein (p.Ile386Ser).

NM_006158.5(NEFL):c.1157T>G (p.Ile386Ser)

Genes: NEFL (neurofilament light chain; minus strand), LOC126860330 (BRD4-independent group 4 enhancer GRCh37_chr8:24811677-24812876; plus strand). Cytogenetic location: 8p21.2.
Variant type: single nucleotide variant.
Coding change: c.1157T>G on transcript NM_006158.5 (MANE Select); coding-DNA position 1157, T replaced by G.
Protein change: p.Ile386Ser; replaces isoleucine 386 with serine.
Molecular consequence: missense variant.
Genome position (GRCh38, 1-based): chr8:24,954,193, A>C on the plus strand (T>G on the coding strand, the complement: NEFL is on the minus strand). VCF-style: chr8-24954193-A-C. GRCh37 (hg19) VCF-style: chr8-24811707-A-C.
Other names: short protein forms I386S.
Identifiers: ClinVar variation 1498735 (VCV001498735.6), dbSNP rs2117252327, ClinGen allele CA370620783.
Genomic context (GRCh38, chr8:24,954,193, plus strand): 5'-TTTCTTCCTAAGGTTTAATGGCTGCTGTCTTTGCCCCTCTATTTTCACCTGTAAGCTGCA[A>C]TCTCAATATCCAAAGCCATCTTCACGTTGAGGAGGTCTTGGTATTCTTTTAGGTATCGTG-3'
Protein context (NP_006149.2, residues 376-396): LNVKMALDIE[Ile386Ser]AAYRKLLEGE